The following is an entry in ClinVar:

ClinVar aggregate classification (germline): Uncertain significance (1 of 4 stars; one submission).

Conditions:
Ehlers-Danlos syndrome, type 4 (EDSVASC). Also called: Ehlers-Danlos Syndrome Type IV; Ehlers-Danlos syndrome vascular type; Ehlers Danlos syndrome, ecchymotic type; Ehlers Danlos syndrome, arterial type; Ehlers Danlos syndrome, Sack-Barabas type. Identifiers: Orphanet 286, MedGen C0268338, MONDO:0017314, OMIM 130050.

Submission:

All of Us Research Program, National Institutes of Health
Classification: Uncertain significance for Ehlers-Danlos syndrome, type 4. Last evaluated: 2023-05-16. Review status: criteria provided, single submitter. Criteria: ACMG Guidelines, 2015. Collection method: clinical testing. Allele origin: germline. Inheritance: Autosomal dominant inheritance. Observed: 1 variant allele, 1 heterozygote.
Comment: This missense variant replaces asparagine with serine at codon 1306 of the COL3A1 protein. Computational prediction suggests that this variant may not impact protein structure and function (internally defined REVEL score threshold <= 0.5, PMID: 27666373). To our knowledge, functional studies have not been reported for this variant. This variant has not been reported in individuals affected with COL3A1-related disorders in the literature. This variant has not been identified in the general population by the Genome Aggregation Database (gnomAD). The available evidence is insufficient to determine the role of this variant in disease conclusively. Therefore, this variant is classified as a Variant of Uncertain Significance.

This study involves interpretation of variants in research participants for the purpose of population health screening. Participant phenotype was not available at the time of variant classification. Additional details can be found in publication PMID: 35346344, PMCID: PMC8962531

NM_000090.4(COL3A1):c.3917A>G (p.Asn1306Ser)

Gene: COL3A1 (collagen type III alpha 1 chain; plus strand). Cytogenetic location: 2q32.2.
Variant type: single nucleotide variant.
Coding change: c.3917A>G on transcript NM_000090.4 (MANE Select); coding-DNA position 3917, A replaced by G.
Protein change: p.Asn1306Ser; replaces asparagine 1306 with serine.
Molecular consequence: missense variant.
Genome position (GRCh38, 1-based): chr2:189,010,271, A>G. VCF-style: chr2-189010271-A-G. GRCh37 (hg19) VCF-style: chr2-189874997-A-G.
Other names: short protein forms N1306S.
Identifiers: ClinVar variation 3071260 (VCV003071260.1), dbSNP rs2469169013, ClinGen allele CA349848636.